The following is an entry in ClinVar:

ClinVar aggregate classification (germline): Likely benign. Review status: criteria provided, multiple submitters, no conflicts (2 of 4 stars). 4 submissions from 4 submitters: Likely benign (4). Last evaluated 2025-01-01.

Conditions:
Maturity-onset diabetes of the young (MODY). Also called: Maturity onset diabetes mellitus in young. Identifiers: Orphanet 552, MedGen C0342276, MONDO:0018911, HP:0004904.

Allele frequency attached by ClinVar (database versions not stated): gnomAD exomes below 0.00001; gnomAD 0.00001.
gnomAD v4.1: 9 of 1,613,530 alleles (0.00056%); highest among the groups gnomAD compares: Middle Eastern, 0.05%; no homozygotes.

Submissions (4):

CeGaT Center for Human Genetics Tuebingen
Classification: Likely benign. Last evaluated: 2025-01-01. Review status: criteria provided, single submitter. Criteria: CeGaT Center For Human Genetics Tuebingen Variant Classification Criteria Version 2. Collection method: clinical testing. Allele origin: germline. Affected: yes. Observed: 1 variant allele.
Comment: HNF1A: BP4, BP7

Labcorp Genetics (formerly Invitae), Labcorp
Classification: Likely benign. Last evaluated: 2024-02-12. Review status: criteria provided, single submitter. Criteria: Invitae Variant Classification Sherloc (09022015). Collection method: clinical testing. Allele origin: germline.

Blueprint Genetics
Classification: Likely benign. Last evaluated: 2023-04-28. Review status: criteria provided, single submitter. Criteria: ACMG Guidelines, 2015. Collection method: clinical testing. Allele origin: germline.

Ambry Genetics
Classification: Likely benign for Maturity-onset diabetes of the young. Last evaluated: 2020-11-22. Review status: criteria provided, single submitter. Criteria: Ambry Variant Classification Scheme 2023. Collection method: clinical testing. Allele origin: germline.

NM_000545.8(HNF1A):c.711T>C (p.Asn237=)

Gene: HNF1A (HNF1 homeobox A; plus strand). Cytogenetic location: 12q24.31.
Variant type: single nucleotide variant.
Coding change: c.711T>C on transcript NM_000545.8 (MANE Select); coding-DNA position 711, T replaced by C.
Protein change: p.Asn237=; no amino-acid change (asparagine 237 retained).
Molecular consequence: synonymous variant.
Genome position (GRCh38, 1-based): chr12:120,993,704, T>C. VCF-style: chr12-120993704-T-C. GRCh37 (hg19) VCF-style: chr12-121431507-T-C.
Other names: c.711T>C, p.Asn237= (NM_001306179.2, NM_001406915.1).
Identifiers: ClinVar variation 1757273 (VCV001757273.18), dbSNP rs571596374, ClinGen allele CA244532472.